The following is an entry in ClinVar:

ClinVar aggregate classification (germline): Uncertain significance (1 of 4 stars; one submission).

Allele frequency attached by ClinVar (database versions not stated): TOPMed below 0.00001; gnomAD 0.00001.
gnomAD v4.1: 1 of 1,547,430 alleles (0.000065%); highest among the groups gnomAD compares: Non-Finnish European, 0.000087%; no homozygotes.

Submission:

GeneDx
Classification: Uncertain significance. Last evaluated: 2019-12-03. Review status: criteria provided, single submitter. Criteria: GeneDx Variant Classification Process June 2021. Collection method: clinical testing. Allele origin: germline. Affected: yes.
Comment: Not observed in large population cohorts (Lek et al., 2016); In silico analysis, which includes protein predictors and evolutionary conservation, supports a deleterious effect; Has not been previously published as pathogenic or benign to our knowledge

NM_000260.4(MYO7A):c.282C>G (p.Ile94Met)

Gene: MYO7A (myosin VIIA; plus strand). Cytogenetic location: 11q13.5.
Variant type: single nucleotide variant.
Coding change: c.282C>G on transcript NM_000260.4 (MANE Select); coding-DNA position 282, C replaced by G.
Protein change: p.Ile94Met; replaces isoleucine 94 with methionine.
Molecular consequence: missense variant.
Genome position (GRCh38, 1-based): chr11:77,147,947, C>G. VCF-style: chr11-77147947-C-G. GRCh37 (hg19) VCF-style: chr11-76858993-C-G.
Other names: c.282C>G, p.Ile94Met (NM_001127180.2); c.249C>G, p.Ile83Met (NM_001369365.1); short protein forms I83M, I94M.
Identifiers: ClinVar variation 1310772 (VCV001310772.2), dbSNP rs1951694088, ClinGen allele CA381929453.